The following is an entry in ClinVar:

ClinVar aggregate classification (germline): Conflicting classifications of pathogenicity. Review status: criteria provided, conflicting classifications (1 of 4 stars). 6 submissions from 5 submitters: Uncertain significance (2); Likely benign (3). 1 of the submissions does not count toward it. Last evaluated 2026-08-04.

Conditions:
DYNC1H1-related disorder. Also called: DYNC1H1-related condition; DYNC1H1-related disorders. Identifiers: MedGen CN381529.
Inborn genetic diseases. Identifiers: MedGen C0950123, MeSH D030342.
Autosomal dominant cerebellar ataxia. Also called: Spinocerebellar Ataxia, Dominant. Identifiers: Orphanet 99, MedGen C4087347, MONDO:0020380.
Charcot-Marie-Tooth disease axonal type 2O. Also called: CHARCOT-MARIE-TOOTH NEUROPATHY, AXONAL, TYPE 2O; CHARCOT-MARIE-TOOTH DISEASE, AXONAL, AUTOSOMAL DOMINANT, TYPE 2O; Charcot-Marie-Tooth Neuropathy Type 2O; Charcot-Marie-Tooth disease, axonal, type 20. Identifiers: Orphanet 284232, MedGen C3280220, MONDO:0013644, OMIM 614228.

Allele frequency attached by ClinVar (database versions not stated): gnomAD 0.00003; gnomAD exomes 0.00003 and 0.00004; ExAC 0.00005; TOPMed 0.00002.
gnomAD v4.1: 64 of 1,614,090 alleles (0.004%); highest among the groups gnomAD compares: South Asian, 0.024%; no homozygotes.

Submissions (6):

Ambry Genetics
Classification: Likely benign for Inborn genetic diseases. Last evaluated: 2026-08-04. Review status: criteria provided, single submitter. Criteria: Ambry Variant Classification Scheme 2023. Collection method: clinical testing. Allele origin: germline.

Labcorp Genetics (formerly Invitae), Labcorp
Classification: Likely benign for Charcot-Marie-Tooth disease axonal type 2O. Last evaluated: 2025-06-04. Review status: criteria provided, single submitter. Criteria: Invitae Variant Classification Sherloc (09022015). Collection method: clinical testing. Allele origin: germline.

PreventionGenetics, part of Exact Sciences
Classification: Uncertain significance for DYNC1H1-related condition. Last evaluated: 2025-04-18. Review status: criteria provided, single submitter. Criteria: ACMG Guidelines, 2015. Collection method: clinical testing. Allele origin: germline.
Comment: The DYNC1H1 c.1861G>A variant is predicted to result in the amino acid substitution p.Asp621Asn. To our knowledge, this variant has not been reported in the literature. This variant is reported in 0.023% of alleles in individuals of South Asian descent in gnomAD. Although we suspect that this variant may be benign, at this time, the clinical significance of this variant is uncertain due to the absence of conclusive functional and genetic evidence.

Illumina Laboratory Services, Illumina
Classification: Likely benign for Spinocerebellar Ataxia, Dominant. Last evaluated: 2018-01-13. Review status: criteria provided, single submitter. Criteria: ICSL Variant Classification Criteria 13 December 2019. Collection method: clinical testing. Allele origin: germline.
Comment: This variant was observed in the ICSL laboratory as part of a predisposition screen in an ostensibly healthy population. It had not been previously curated by ICSL or reported in the Human Gene Mutation Database (HGMD: prior to June 1st, 2018), and was therefore a candidate for classification through an automated scoring system. Utilizing variant allele frequency, disease prevalence and penetrance estimates, and inheritance mode, an automated score was calculated to assess if this variant is too frequent to cause the disease. Based on the score and internal cut-off values, a variant classified as likely benign is not then subjected to further curation. The score for this variant resulted in a classification of likely benign for this disease.

Illumina Laboratory Services, Illumina
Classification: Uncertain significance for Charcot-Marie-Tooth disease axonal type 2O. Last evaluated: 2018-01-13. Review status: criteria provided, single submitter. Criteria: ICSL Variant Classification Criteria 13 December 2019. Collection method: clinical testing. Allele origin: germline.

Department of Pathology and Laboratory Medicine, Sinai Health System
Classification: Uncertain significance. Review status: no assertion criteria provided. Collection method: clinical testing. Allele origin: unknown. Affected: yes. Study: The Canadian Open Genetics Repository (COGR). Not counted in ClinVar's aggregate classification.
Comment: The DYNC1H1 p.Asp621Asn variant was not identified in the literature nor was it identified in Cosmic or LOVD 3.0. The variant was identified in dbSNP (ID: rs755333803) and ClinVar (classified as a VUS by Illumina Clinical Services and Invitae). The variant was also identified in control databases in 7 of 251326 chromosomes at a frequency of 0.000028 (Genome Aggregation Database Feb 27, 2017). The variant was observed in the South Asian population in 7 of 30616 chromosomes (freq: 0.000229), while the variant was not observed in the African, Latino, Ashkenazi Jewish, East Asian, European (Finnish), European (non-Finnish) or Other populations. The variant occurs outside of the splicing consensus sequence and 3 of 4 in silico or computational prediction software programs (SpliceSiteFinder, NNSPLICE, GeneSplicer) do not predict a difference in splicing. The p.Asp621 residue is conserved in mammals but not in more distantly related organisms however four out of five computational analyses (PolyPhen-2, SIFT, AlignGVGD, BLOSUM) do not suggest a high likelihood of impact to the protein; this information is not predictive enough to rule out pathogenicity. In summary, based on the above information the clinical significance of this variant cannot be determined with certainty at this time. This variant is classified as a variant of uncertain significance.

NM_001376.5(DYNC1H1):c.1861G>A (p.Asp621Asn)

Gene: DYNC1H1 (dynein cytoplasmic 1 heavy chain 1; plus strand). Cytogenetic location: 14q32.31.
Variant type: single nucleotide variant.
Coding change: c.1861G>A on transcript NM_001376.5 (MANE Select); coding-DNA position 1861, G replaced by A.
Protein change: p.Asp621Asn; replaces aspartic acid 621 with asparagine.
Molecular consequence: missense variant.
Genome position (GRCh38, 1-based): chr14:101,986,086, G>A. VCF-style: chr14-101986086-G-A. GRCh37 (hg19) VCF-style: chr14-102452423-G-A.
Other names: short protein forms D621N.
Identifiers: ClinVar variation 312621 (VCV000312621.18), dbSNP rs755333803, ClinGen allele CA7351741.